The following is an entry in ClinVar:

ClinVar aggregate classification (germline): Conflicting classifications of pathogenicity. Review status: criteria provided, conflicting classifications (1 of 4 stars). 2 submissions from 2 submitters: Likely pathogenic (1); Uncertain significance (1). Last evaluated 2024-11-19.

Conditions:
Myopathy, distal, 5 (MPD5). Also called: Adenylosuccinate synthetase-like 1-related distal myopathy. Identifiers: Orphanet 482601, MedGen C5567521, MONDO:0014877, OMIM 617030.

Allele frequency attached by ClinVar (database versions not stated): ExAC 0.00001; gnomAD 0.00001; gnomAD exomes 0.00001 and 0.00002; TOPMed 0.00002; ESP Exome Variant Server 0.00008.
gnomAD v4.1: 30 of 1,613,042 alleles (0.0019%); highest among the groups gnomAD compares: Non-Finnish European, 0.0024%; no homozygotes.

Submissions (2):

Labcorp Genetics (formerly Invitae), Labcorp
Classification: Likely pathogenic. Last evaluated: 2024-11-19. Review status: criteria provided, single submitter. Criteria: Invitae Variant Classification Sherloc (09022015). Collection method: clinical testing. Allele origin: germline.
Comment: This sequence change affects an acceptor splice site in intron 8 of the ADSSL1 gene. It is expected to disrupt RNA splicing. Variants that disrupt the donor or acceptor splice site typically lead to a loss of protein function (PMID: 16199547), and loss-of-function variants in ADSSL1 are known to be pathogenic (PMID: 26506222). This variant is present in population databases (rs111588752, gnomAD 0.002%). This variant has not been reported in the literature in individuals affected with ADSSL1-related conditions. ClinVar contains an entry for this variant (Variation ID: 1068137). Algorithms developed to predict the effect of sequence changes on RNA splicing suggest that this variant may disrupt the consensus splice site. In summary, the currently available evidence indicates that the variant is pathogenic, but additional data are needed to prove that conclusively. Therefore, this variant has been classified as Likely Pathogenic.

Revvity Omics, Revvity
Classification: Uncertain significance for Myopathy, distal, 5. Last evaluated: 2019-10-30. Review status: criteria provided, single submitter. Criteria: ACMG Guidelines, 2015. Collection method: clinical testing. Allele origin: germline.

Literature cited by the submitters: PubMed 16199547 (cited by Labcorp Genetics (formerly Invitae), Labcorp); PubMed 26506222 (cited by Labcorp Genetics (formerly Invitae), Labcorp).

NM_152328.5(ADSS1):c.794-2A>G

Gene: ADSS1 (adenylosuccinate synthase 1; plus strand). Cytogenetic location: 14q32.33.
Variant type: single nucleotide variant.
Coding change: c.794-2A>G on transcript NM_152328.5 (MANE Select); the canonical splice acceptor site of the intron before coding-DNA position 794, A replaced by G.
Molecular consequence: splice acceptor variant.
Genome position (GRCh38, 1-based): chr14:104,741,846, A>G. VCF-style: chr14-104741846-A-G. GRCh37 (hg19) VCF-style: chr14-105208183-A-G.
Other names: c.923-2A>G (NM_199165.2); c.179-2A>G (NM_001320424.1).
Identifiers: ClinVar variation 1068137 (VCV001068137.9), dbSNP rs111588752, ClinGen allele CA7373879.